The following is an entry in ClinVar:

ClinVar aggregate classification (germline): Uncertain significance (1 of 4 stars; one submission).

Conditions:
Brugada syndrome. Also called: Sudden Unexplained Death Syndrome; Sudden Unexplained Nocturnal Death Syndrome (SUNDS); Sudden unexplained nocturnal death syndrome; Sudden unexpected nocturnal death syndrome. Identifiers: Orphanet 130, MedGen C1142166, MONDO:0015263.

Allele frequency attached by ClinVar (database versions not stated): TOPMed below 0.00001; gnomAD 0.00001; gnomAD exomes 0.00001 and 0.00002; ExAC 0.00002.
gnomAD v4.1: 14 of 1,614,006 alleles (0.00087%); highest among the groups gnomAD compares: Admixed American, 0.0033%; no homozygotes.

Submission:

Labcorp Genetics (formerly Invitae), Labcorp
Classification: Uncertain significance for Brugada syndrome. Last evaluated: 2021-10-20. Review status: criteria provided, single submitter. Criteria: Invitae Variant Classification Sherloc (09022015). Collection method: clinical testing. Allele origin: germline.
Comment: In summary, the available evidence is currently insufficient to determine the role of this variant in disease. Therefore, it has been classified as a Variant of Uncertain Significance. Advanced modeling of protein sequence and biophysical properties (such as structural, functional, and spatial information, amino acid conservation, physicochemical variation, residue mobility, and thermodynamic stability) performed at Invitae indicates that this missense variant is expected to disrupt KCNJ8 protein function. This variant has not been reported in the literature in individuals affected with KCNJ8-related conditions. This variant is present in population databases (rs764215606, gnomAD 0.006%). This sequence change replaces arginine, a(n) basic and polar amino acid, with cysteine, a(n) neutral and slightly polar amino acid, at codon 323 of the KCNJ8 protein (p.Arg323Cys).

NM_004982.4(KCNJ8):c.967C>T (p.Arg323Cys)

Genes: KCNJ8 (potassium inwardly rectifying channel subfamily J member 8; minus strand), KCNJ8-AS1 (KCNJ8 antisense RNA 1; plus strand). Cytogenetic location: 12p12.1.
Variant type: single nucleotide variant.
Coding change: c.967C>T on transcript NM_004982.4 (MANE Select); coding-DNA position 967, C replaced by T.
Protein change: p.Arg323Cys; replaces arginine 323 with cysteine.
Molecular consequence: missense variant.
Genome position (GRCh38, 1-based): chr12:21,766,031, G>A on the plus strand (C>T on the coding strand, the complement: KCNJ8 is on the minus strand). VCF-style: chr12-21766031-G-A. GRCh37 (hg19) VCF-style: chr12-21918965-G-A.
Other names: short protein forms R323C.
Identifiers: ClinVar variation 1470337 (VCV001470337.6), dbSNP rs764215606, ClinGen allele CA6480639.
Genomic context (GRCh38, chr12:21,766,031, plus strand): 5'-CAAATTTGGAGTAATCCACAGAATACACTCCTTCTTCCTCAGTCACAATGGACACAAAGC[G>A]GTGGCCCCATTGGATCTCCTCAGCAATGTAGGAGGTTCGTGCTTGTGTGGTGATGCCAGT-3'
Protein context (NP_004973.1, residues 313-333): YIAEEIQWGH[Arg323Cys]FVSIVTEEEG